The following is an entry in ClinVar:

NM_001184880.2(PCDH19):c.1706T>C (p.Ile569Thr)

Gene: PCDH19 (protocadherin 19; minus strand). Cytogenetic location: Xq22.1.
Variant type: single nucleotide variant.
Coding change: c.1706T>C on transcript NM_001184880.2 (MANE Select); coding-DNA position 1706, T replaced by C.
Protein change: p.Ile569Thr; replaces isoleucine 569 with threonine.
Molecular consequence: missense variant.
Genome position (GRCh38, 1-based): chrX:100,406,892, A>G on the plus strand (T>C on the coding strand, the complement: PCDH19 is on the minus strand). VCF-style: chrX-100406892-A-G. GRCh37 (hg19) VCF-style: chrX-99661890-A-G.
Other names: c.1706T>C, p.Ile569Thr (NM_001105243.2, NM_020766.3); short protein forms I569T.
Identifiers: ClinVar variation 5010044 (VCV005010044.1).

ClinVar aggregate classification (germline): Uncertain significance (1 of 4 stars; one submission).

Submission:

GeneDx
Classification: Uncertain significance. Last evaluated: 2026-02-23. Review status: criteria provided, single submitter. Criteria: GeneDx Variant Classification Process June 2021. Collection method: clinical testing. Allele origin: germline.
Comment: Not observed at significant frequency in large population cohorts (gnomAD); In silico analysis suggests that this missense variant does not alter protein structure/function; Has not been previously published as pathogenic or benign to our knowledge